The following is an entry in ClinVar:

NM_004656.4(BAP1):c.68-1G>C

Gene: BAP1 (BRCA1 associated deubiquitinase 1; minus strand). Cytogenetic location: 3p21.1.
Variant type: single nucleotide variant.
Coding change: c.68-1G>C on transcript NM_004656.4 (MANE Select); the canonical splice acceptor site of the intron before coding-DNA position 68, G replaced by C.
Molecular consequence: splice acceptor variant.
Genome position (GRCh38, 1-based): chr3:52,409,609, C>G on the plus strand (G>C on the coding strand, the complement: BAP1 is on the minus strand). VCF-style: chr3-52409609-C-G. GRCh37 (hg19) VCF-style: chr3-52443625-C-G.
Other names: c.68-1G>C (NM_004656.2, NM_001410772.1).
Identifiers: ClinVar variation 3383235 (VCV003383235.2).

ClinVar aggregate classification (germline): Likely pathogenic. Review status: criteria provided, multiple submitters, no conflicts (2 of 4 stars). 2 submissions from 2 submitters: Likely pathogenic (2). Last evaluated 2025-05-25.

Conditions:
Hereditary cancer-predisposing syndrome. Also called: Neoplastic Syndromes, Hereditary; Hereditary Cancer Syndrome; Tumor predisposition; Hereditary neoplastic syndrome. Identifiers: Orphanet 140162, MedGen C0027672, MeSH D009386, MONDO:0015356.
BAP1-related tumor predisposition syndrome (TPDS1). Also called: Tumor susceptibility linked to germline BAP1 mutations; TUMOR PREDISPOSITION SYNDROME 1; COMMON Syndrome; BAP1 tumor predisposition syndrome. Identifiers: Orphanet 289539, MedGen C3280492, MONDO:0013692, OMIM 614327.

Submissions (2):

Ambry Genetics
Classification: Likely pathogenic for Hereditary cancer-predisposing syndrome. Last evaluated: 2025-05-25. Review status: criteria provided, single submitter. Criteria: Ambry Variant Classification Scheme 2023. Collection method: clinical testing. Allele origin: germline.
Comment: The c.68-1G>C intronic variant results from a G to C substitution one nucleotide upstream from coding exon 3 of the BAP1 gene. Alterations that disrupt the canonical splice site are expected to cause aberrant splicing, resulting in an abnormal protein or a transcript that is subject to nonsense-mediated mRNA decay. In silico splice site analysis predicts that this alteration will weaken the native splice acceptor site and will result in the creation or strengthening of a novel splice acceptor site. This variant was reported in individual(s) with features consistent with BAP1-related tumor predisposition syndrome (Ambry internal data). This nucleotide position is highly conserved in available vertebrate species. This variant is considered to be rare based on population cohorts in the Genome Aggregation Database (gnomAD). Based on the majority of available evidence to date, this variant is likely to be pathogenic.

MVZ Medizinische Genetik Mainz
Classification: Likely pathogenic for BAP1-related tumor predisposition syndrome. Last evaluated: 2024-10-09. Review status: criteria provided, single submitter. Criteria: UK Practice Guidelines For Variant Classification V4 01 2020. Collection method: clinical testing. Allele origin: germline. Inheritance: Autosomal dominant inheritance. Affected: yes. Observed: 1 variant allele.
Comment: ACMG Criteria: PVS1,PM2_SUP